The following is an entry in ClinVar:

ClinVar aggregate classification (germline): Uncertain significance (1 of 4 stars; one submission).

Submission:

Labcorp Genetics (formerly Invitae), Labcorp
Classification: Uncertain significance. Last evaluated: 2021-12-13. Review status: criteria provided, single submitter. Criteria: Invitae Variant Classification Sherloc (09022015). Collection method: clinical testing. Allele origin: germline.
Comment: This sequence change replaces glycine, which is neutral and non-polar, with glutamic acid, which is acidic and polar, at codon 2824 of the ADGRV1 protein (p.Gly2824Glu). This variant is not present in population databases (gnomAD no frequency). This missense change has been observed in individual(s) with Usher syndrome (Invitae). Algorithms developed to predict the effect of missense changes on protein structure and function are either unavailable or do not agree on the potential impact of this missense change (SIFT: "Deleterious"; PolyPhen-2: "Probably Damaging"; Align-GVGD: "Class C0"). In summary, the available evidence is currently insufficient to determine the role of this variant in disease. Therefore, it has been classified as a Variant of Uncertain Significance.

NM_032119.4(ADGRV1):c.8471G>A (p.Gly2824Glu)

Gene: ADGRV1 (adhesion G protein-coupled receptor V1; plus strand). Cytogenetic location: 5q14.3.
Variant type: single nucleotide variant.
Coding change: c.8471G>A on transcript NM_032119.4 (MANE Select); coding-DNA position 8471, G replaced by A.
Protein change: p.Gly2824Glu; replaces glycine 2824 with glutamic acid.
Molecular consequence: missense variant. On other transcripts: non-coding transcript variant (1).
Genome position (GRCh38, 1-based): chr5:90,705,484, G>A. VCF-style: chr5-90705484-G-A. GRCh37 (hg19) VCF-style: chr5-90001301-G-A.
Other names: short protein forms G2824E.
Identifiers: ClinVar variation 1962525 (VCV001962525.2), dbSNP rs975296721, ClinGen allele CA360391237.